The following is an entry in ClinVar:

ClinVar aggregate classification (germline): Pathogenic (1 of 4 stars; one submission).

Conditions:
Rubinstein-Taybi syndrome due to EP300 haploinsufficiency. Also called: EP300-Related Rubinstein-Taybi Syndrome; RUBINSTEIN-TAYBI SYNDROME 2. Identifiers: Orphanet 353284, Orphanet 783, MedGen C3150941, MONDO:0013364, OMIM 613684.

Submission:

Labcorp Genetics (formerly Invitae), Labcorp
Classification: Pathogenic for Rubinstein-Taybi syndrome due to EP300 haploinsufficiency. Last evaluated: 2024-01-22. Review status: criteria provided, single submitter. Criteria: Invitae Variant Classification Sherloc (09022015). Collection method: clinical testing. Allele origin: germline.
Comment: This sequence change creates a premature translational stop signal (p.Gln1489*) in the EP300 gene. It is expected to result in an absent or disrupted protein product. Loss-of-function variants in EP300 are known to be pathogenic (PMID: 15706485, 24476420). This variant is not present in population databases (gnomAD no frequency). This variant has not been reported in the literature in individuals affected with EP300-related conditions. For these reasons, this variant has been classified as Pathogenic.

Literature cited by the submitters: PubMed 15706485; PubMed 24476420.

NM_001429.4(EP300):c.4465C>T (p.Gln1489Ter)

Gene: EP300 (EP300 lysine acetyltransferase; plus strand). Cytogenetic location: 22q13.2.
Variant type: single nucleotide variant.
Coding change: c.4465C>T on transcript NM_001429.4 (MANE Select); coding-DNA position 4465, C replaced by T.
Protein change: p.Gln1489Ter; replaces glutamine 1489 with a stop codon.
Molecular consequence: nonsense.
Genome position (GRCh38, 1-based): chr22:41,172,511, C>T. VCF-style: chr22-41172511-C-T. GRCh37 (hg19) VCF-style: chr22-41568515-C-T.
Other names: c.4387C>T, p.Gln1463Ter (NM_001362843.2); short protein forms Q1463*, Q1489*.
Identifiers: ClinVar variation 2710706 (VCV002710706.3), dbSNP rs2059176610, ClinGen allele CA411702486.
Genomic context (GRCh38, chr22:41,172,511, plus strand): 5'-CTTTAAAAGAACATAGAAATTCCTATATGTACATGCATGTTTTCACAGGATATTTTTAAA[C>T]AAGCTACTGAAGATAGATTAACAAGTGCAAAGGAATTGCCTTATTTCGAGGGTGATTTCT-3'